The following is an entry in ClinVar:

ClinVar aggregate classification (germline): Uncertain significance (1 of 4 stars; one submission).

Conditions:
Joubert syndrome 6 (JBTS6). Identifiers: Orphanet 475, MedGen C1853153, MONDO:0012539, OMIM 610688.

Submission:

Neuberg Centre For Genomic Medicine, NCGM
Classification: Uncertain significance for Joubert syndrome 6. Last evaluated: 2024-02-01. Review status: criteria provided, single submitter. Criteria: ACMG Guidelines, 2015. Collection method: clinical testing. Allele origin: germline. Inheritance: Autosomal recessive inheritance.
Comment: The missense variant has not been reported previously as a pathogenic variant nor as a benign variant, to our knowledge.

NM_153704.6(TMEM67):c.527C>T (p.Thr176Ile)

Gene: TMEM67 (transmembrane protein 67; plus strand). Cytogenetic location: 8q22.1.
Variant type: single nucleotide variant.
Coding change: c.527C>T on transcript NM_153704.6 (MANE Select); coding-DNA position 527, C replaced by T.
Protein change: p.Thr176Ile; replaces threonine 176 with isoleucine.
Molecular consequence: missense variant. On other transcripts: non-coding transcript variant (1).
Genome position (GRCh38, 1-based): chr8:93,765,426, C>T. VCF-style: chr8-93765426-C-T. GRCh37 (hg19) VCF-style: chr8-94777654-C-T.
Other names: c.284C>T, p.Thr95Ile (NM_001142301.1); short protein forms T176I, T95I.
Identifiers: ClinVar variation 3897991 (VCV003897991.1).